The following is an entry in ClinVar:

NM_001010892.3(RSPH4A):c.206C>T (p.Thr69Met)

Gene: RSPH4A (radial spoke head component 4A; plus strand). Cytogenetic location: 6q22.1.
Variant type: single nucleotide variant.
Coding change: c.206C>T on transcript NM_001010892.3 (MANE Select); coding-DNA position 206, C replaced by T.
Protein change: p.Thr69Met; replaces threonine 69 with methionine.
Molecular consequence: missense variant.
Genome position (GRCh38, 1-based): chr6:116,616,829, C>T. VCF-style: chr6-116616829-C-T. GRCh37 (hg19) VCF-style: chr6-116937992-C-T.
Other names: c.206C>T, p.Thr69Met (NM_001161664.2); short protein forms T69M.
Identifiers: ClinVar variation 1001409 (VCV001001409.9), dbSNP rs1398453218, ClinGen allele CA365390688.
Genomic context (GRCh38, chr6:116,616,829, plus strand): 5'-CAGAAACTGGACGCCAGTCCCGAAGCAGCCGTCCTTGGAGCCCGCAGTCTAGAGCCAAGA[C>T]GCCTCTGGGTGGCCCCGCGGGACCAGAAACATCATCACCTGCTCCTGTCTCTCCGCGGGA-3'
Protein context (NP_001010892.1, residues 59-79): RPWSPQSRAK[Thr69Met]PLGGPAGPET

ClinVar aggregate classification (germline): Uncertain significance. Review status: criteria provided, multiple submitters, no conflicts (2 of 4 stars). 2 submissions from 2 submitters: Uncertain significance (2). Last evaluated 2024-04-29.

Conditions:
Primary ciliary dyskinesia. Also called: Ciliary dyskinesia. Identifiers: Orphanet 244, MedGen C0008780, MONDO:0016575, HP:0012265.

Allele frequency attached by ClinVar (database versions not stated): gnomAD 0.00001; TOPMed 0.00002.
gnomAD v4.1: 14 of 1,614,000 alleles (0.00087%); highest among the groups gnomAD compares: East Asian, 0.011%; no homozygotes.

Submissions (2):

Blueprint Genetics
Classification: Uncertain significance. Last evaluated: 2024-04-29. Review status: criteria provided, single submitter. Criteria: ACMG Guidelines, 2015. Collection method: clinical testing. Allele origin: germline.

Labcorp Genetics (formerly Invitae), Labcorp
Classification: Uncertain significance for Primary ciliary dyskinesia. Last evaluated: 2022-01-13. Review status: criteria provided, single submitter. Criteria: Invitae Variant Classification Sherloc (09022015). Collection method: clinical testing. Allele origin: germline.
Comment: This sequence change replaces threonine, which is neutral and polar, with methionine, which is neutral and non-polar, at codon 69 of the RSPH4A protein (p.Thr69Met). This variant is present in population databases (no rsID available, gnomAD 0.02%). This variant has not been reported in the literature in individuals affected with RSPH4A-related conditions. ClinVar contains an entry for this variant (Variation ID: 1001409). Algorithms developed to predict the effect of missense changes on protein structure and function (SIFT, PolyPhen-2, Align-GVGD) all suggest that this variant is likely to be tolerated. In summary, the available evidence is currently insufficient to determine the role of this variant in disease. Therefore, it has been classified as a Variant of Uncertain Significance.